The following is an entry in ClinVar:

ClinVar aggregate classification (germline): Uncertain significance (1 of 4 stars; one submission).

gnomAD v4.1: 15 of 1,614,090 alleles (0.00093%); highest among the groups gnomAD compares: East Asian, 0.0022%; no homozygotes.

Submission:

GeneDx
Classification: Uncertain significance. Last evaluated: 2023-06-05. Review status: criteria provided, single submitter. Criteria: GeneDx Variant Classification Process June 2021. Collection method: clinical testing. Allele origin: germline. Affected: yes.
Comment: In silico analysis supports that this missense variant has a deleterious effect on protein structure/function; Has not been previously published as pathogenic or benign to our knowledge

NM_015057.5(MYCBP2):c.12134C>T (p.Ser4045Leu)

Gene: MYCBP2 (MYC binding protein 2; minus strand). Cytogenetic location: 13q22.3.
Variant type: single nucleotide variant.
Coding change: c.12134C>T on transcript NM_015057.5 (MANE Select); coding-DNA position 12134, C replaced by T.
Protein change: p.Ser4045Leu; replaces serine 4045 with leucine.
Molecular consequence: missense variant.
Genome position (GRCh38, 1-based): chr13:77,068,602, G>A on the plus strand (C>T on the coding strand, the complement: MYCBP2 is on the minus strand). VCF-style: chr13-77068602-G-A. GRCh37 (hg19) VCF-style: chr13-77642737-G-A.
Other names: short protein forms S4045L.
Identifiers: ClinVar variation 3359529 (VCV003359529.1).